The following is an entry in ClinVar:

ClinVar aggregate classification (germline): Benign. Review status: criteria provided, multiple submitters, no conflicts (2 of 4 stars). 9 submissions from 9 submitters: Benign (6). 3 of the submissions do not count toward it. Last evaluated 2026-02-04.

Conditions:
Familial aortopathy. Identifiers: MedGen CN078214.
Aortic aneurysm, familial thoracic 6 (AAT6). Also called: FAMILIAL THORACIC AORTIC ANEURYSM WITH LIVEDO RETICULARIS AND IRIS FLOCCULI. Identifiers: MedGen C2673186, MONDO:0012730, OMIM 611788.

Allele frequency attached by ClinVar (database versions not stated): ESP Exome Variant Server 0.00400; gnomAD 0.00636 and 0.00836; TOPMed 0.00941; gnomAD exomes 0.01457; ExAC 0.01473; 1000 Genomes Project 30x 0.02873; 1000 Genomes Project 0.03035.
gnomAD v4.1: 13,581 of 1,613,720 alleles (0.84%); highest among the groups gnomAD compares: East Asian, 12%; 397 homozygotes.

Submissions (9):

Labcorp Genetics (formerly Invitae), Labcorp
Classification: Benign for Aortic aneurysm, familial thoracic 6. Last evaluated: 2026-02-04. Review status: criteria provided, single submitter. Criteria: Invitae Variant Classification Sherloc (09022015). Collection method: clinical testing. Allele origin: germline.

Blueprint Genetics
Classification: Benign. Last evaluated: 2024-11-26. Review status: criteria provided, single submitter. Criteria: ACMG Guidelines, 2015. Collection method: clinical testing. Allele origin: germline.

GeneDx
Classification: Benign. Last evaluated: 2013-03-21. Review status: criteria provided, single submitter. Criteria: GeneDx Variant Classification (06012015). Collection method: clinical testing. Allele origin: germline. Affected: yes.
Comment: This variant is considered likely benign or benign based on one or more of the following criteria: it is a conservative change, it occurs at a poorly conserved position in the protein, it is predicted to be benign by multiple in silico algorithms, and/or has population frequency not consistent with disease.

Women's Health and Genetics/Laboratory Corporation of America, LabCorp
Classification: Benign for Aortopathy. Last evaluated: 2011-08-18. Review status: criteria provided, single submitter. Criteria: LabCorp Variant Classification Summary - May 2015. Collection method: curation. Allele origin: germline. Inheritance: autosomal unknown. Affected: yes.
ClinVar note: Converted during submission from benign to Benign.

Breakthrough Genomics
Classification: Benign. Review status: criteria provided, single submitter. Criteria: ACMG Guidelines, 2015. Collection method: not provided. Allele origin: germline. Inheritance: Autosomal dominant inheritance. Affected: yes.

PreventionGenetics, part of Exact Sciences
Classification: Benign. Review status: criteria provided, single submitter. Criteria: ACMG Guidelines, 2015. Collection method: clinical testing. Allele origin: germline.

Clinical Genetics DNA and cytogenetics Diagnostics Lab, Erasmus MC, Erasmus Medical Center
Classification: Benign. Review status: no assertion criteria provided. Collection method: clinical testing. Allele origin: germline. Affected: yes. Study: VKGL Data-share Consensus. Not counted in ClinVar's aggregate classification.

Genome Diagnostics Laboratory, Amsterdam University Medical Center
Classification: Benign. Review status: no assertion criteria provided. Collection method: clinical testing. Allele origin: germline. Affected: yes. Study: VKGL Data-share Consensus. Not counted in ClinVar's aggregate classification.

Joint Genome Diagnostic Labs from Nijmegen and Maastricht, Radboudumc and MUMC+
Classification: Benign. Review status: no assertion criteria provided. Collection method: clinical testing. Allele origin: germline. Affected: yes. Study: VKGL Data-share Consensus. Not counted in ClinVar's aggregate classification.

NM_001613.4(ACTA2):c.455-17G>A

Gene: ACTA2 (actin alpha 2, smooth muscle; minus strand). Cytogenetic location: 10q23.31.
Variant type: single nucleotide variant.
Coding change: c.455-17G>A on transcript NM_001613.4 (MANE Select); 17 bases into the intron before coding-DNA position 455, G replaced by A.
Molecular consequence: intron variant.
Genome position (GRCh38, 1-based): chr10:88,941,407, C>T on the plus strand (G>A on the coding strand, the complement: ACTA2 is on the minus strand). VCF-style: chr10-88941407-C-T. GRCh37 (hg19) VCF-style: chr10-90701164-C-T.
Other names: c.326-17G>A (NM_001406467.1, NM_001406468.1, NM_001406469.1); c.455-17G>A (NM_001320855.2, NM_001406462.1, NM_001406471.1 and 3 more transcripts); c.344-17G>A (NM_001406466.1).
Identifiers: ClinVar variation 35644 (VCV000035644.19), dbSNP rs3816245, ClinGen allele CA006953.
Genomic context (GRCh38, chr10:88,941,407, plus strand): 5'-GGGGACATTGTGGGTGACACCATCTCCAGAGTCCAGCACGATGCCTGGGAGACAATTGGG[C>T]GTGATAAGTCACCATGGCAGCTGGCATGTGGTTACTTGCTGGACAAGTAGAGGGAAGCCT-3'